The following is an entry in ClinVar:

ClinVar aggregate classification (germline): Uncertain significance. Review status: criteria provided, multiple submitters, no conflicts (2 of 4 stars). 2 submissions from 2 submitters: Uncertain significance (2). Last evaluated 2024-05-06.

Conditions:
Episodic ataxia type 2 (EA2). Also called: ACETAZOLAMIDE-RESPONSIVE HEREDITARY PAROXYSMAL CEREBELLAR ATAXIA; EPISODIC ATAXIA, NYSTAGMUS-ASSOCIATED; ATAXIA, EPISODIC, WITH NYSTAGMUS; ATAXIA, FAMILIAL PAROXYSMAL; CEREBELLAR ATAXIA, PAROXYSMAL, ACETAZOLAMIDE-RESPONSIVE; CEREBELLOPATHY, HEREDITARY PAROXYSMAL. Identifiers: Orphanet 97, MedGen C1720416, MONDO:0007163, OMIM 108500.
Developmental and epileptic encephalopathy, 42 (DEE42A). Also called: DEVELOPMENTAL AND EPILEPTIC ENCEPHALOPATHY 42A; EPILEPTIC ENCEPHALOPATHY, EARLY INFANTILE, 42A; Epileptic encephalopathy, early infantile, 42. Identifiers: MedGen C4310716, MONDO:0014917, OMIM 617106.

Allele frequency attached by ClinVar (database versions not stated): gnomAD exomes below 0.00001.
gnomAD v4.1: 1 of 1,597,206 alleles (0.000063%); highest among the groups gnomAD compares: Non-Finnish European, 0.000085%; no homozygotes.

Submissions (2):

GeneDx
Classification: Uncertain significance. Last evaluated: 2024-05-06. Review status: criteria provided, single submitter. Criteria: GeneDx Variant Classification Process June 2021. Collection method: clinical testing. Allele origin: germline. Affected: yes.
Comment: Has not been previously published as pathogenic or benign to our knowledge; Not observed at significant frequency in large population cohorts (gnomAD); In silico analysis supports that this missense variant has a deleterious effect on protein structure/function

Labcorp Genetics (formerly Invitae), Labcorp
Classification: Uncertain significance for Developmental and epileptic encephalopathy, 42; Episodic ataxia type 2. Last evaluated: 2021-07-21. Review status: criteria provided, single submitter. Criteria: Invitae Variant Classification Sherloc (09022015). Collection method: clinical testing. Allele origin: germline.
Comment: This sequence change replaces aspartic acid with asparagine at codon 329 of the CACNA1A protein (p.Asp329Asn). The aspartic acid residue is highly conserved and there is a small physicochemical difference between aspartic acid and asparagine. This variant is not present in population databases (ExAC no frequency). This variant has not been reported in the literature in individuals affected with CACNA1A-related conditions. Advanced modeling of protein sequence and biophysical properties (such as structural, functional, and spatial information, amino acid conservation, physicochemical variation, residue mobility, and thermodynamic stability) performed at Invitae indicates that this missense variant is expected to disrupt CACNA1A protein function. In summary, the available evidence is currently insufficient to determine the role of this variant in disease. Therefore, it has been classified as a Variant of Uncertain Significance.

NM_001127222.2(CACNA1A):c.985G>A (p.Asp329Asn)

Genes: CACNA1A (calcium voltage-gated channel subunit alpha1 A; minus strand), LOC126862866 (MED14-independent group 3 enhancer GRCh37_chr19:13445719-13446918; plus strand). Cytogenetic location: 19p13.13.
Variant type: single nucleotide variant.
Coding change: c.985G>A on transcript NM_001127222.2 (MANE Select); coding-DNA position 985, G replaced by A.
Protein change: p.Asp329Asn; replaces aspartic acid 329 with asparagine.
Molecular consequence: missense variant.
Genome position (GRCh38, 1-based): chr19:13,335,903, C>T on the plus strand (G>A on the coding strand, the complement: CACNA1A is on the minus strand). VCF-style: chr19-13335903-C-T. GRCh37 (hg19) VCF-style: chr19-13446717-C-T.
Other names: c.985G>A, p.Asp329Asn (NM_000068.4, NM_001127221.2, NM_001174080.2 and 1 more transcripts); c.985G>A (NM_001127221.1); short protein forms D329N.
Identifiers: ClinVar variation 1447679 (VCV001447679.9), dbSNP rs1353041373, ClinGen allele CA404346877.